The following is an entry in ClinVar:

ClinVar aggregate classification (germline): Likely pathogenic (1 of 4 stars; one submission).

Submission:

Athena Diagnostics
Classification: Likely pathogenic. Last evaluated: 2020-02-03. Review status: criteria provided, single submitter. Criteria: Athena Diagnostics Criteria. Collection method: clinical testing. Allele origin: unknown.
Comment: The variant results in a shift of the reading frame, and is therefore predicted to result in the loss of a functional protein. Not found in the total gnomAD dataset, and the data is high quality.

NM_033380.3(COL4A5):c.3872dup (p.Asn1292fs)

Gene: COL4A5 (collagen type IV alpha 5 chain; plus strand). Cytogenetic location: Xq22.3.
Variant type: Duplication.
Coding change: c.3872dup on transcript NM_033380.3 (MANE Select); coding-DNA position 3872, one base duplicated (G; older notation c.3872dupG).
Protein change: p.Asn1292fs; shifts the reading frame from asparagine 1292.
Molecular consequence: frameshift variant.
Genome position (GRCh38, 1-based): chrX:108,677,563, G duplicated; the last of 3 consecutive G bases (chrX:108,677,561-108,677,563); duplicating any one gives the same sequence. VCF-style (leftmost placement, unchanged base first): chrX-108677560-A-AG. GRCh37 (hg19) VCF-style: chrX-107920790-A-AG.
Other names: c.3854dup, p.Asn1286fs (NM_000495.5); short protein forms N1286fs, N1292fs.
Identifiers: ClinVar variation 994528 (VCV000994528.1), dbSNP rs2068330297, ClinGen allele CA1139667745.
Genomic context (GRCh38, chrX:108,677,560, plus strand): 5'-GTCTACCAGGTCCAGAAGGTCCTCCAGGTCTCCCTGGAAATGGAGGTATTAAAGGAGAGA[A>AG]GGGAAATCCAGGCCAACCTGGGCTACCTGGCTTGCCTGGTTTGAAAGGAGATCAAGGACC-3'